The following is an entry in ClinVar:

NM_001145809.2(MYH14):c.4022A>G (p.Gln1341Arg)

Gene: MYH14 (myosin heavy chain 14; plus strand). Cytogenetic location: 19q13.33.
Variant type: single nucleotide variant.
Coding change: c.4022A>G on transcript NM_001145809.2 (MANE Select); coding-DNA position 4022, A replaced by G.
Protein change: p.Gln1341Arg; replaces glutamine 1341 with arginine.
Molecular consequence: missense variant.
Genome position (GRCh38, 1-based): chr19:50,278,279, A>G. VCF-style: chr19-50278279-A-G. GRCh37 (hg19) VCF-style: chr19-50781536-A-G.
Other names: c.3923A>G, p.Gln1308Arg (NM_001077186.2); c.3899A>G, p.Gln1300Arg (NM_024729.4); short protein forms Q1308R, Q1341R, Q1300R.
Identifiers: ClinVar variation 2599682 (VCV002599682.4), dbSNP rs781755990, ClinGen allele CA9593394.

ClinVar aggregate classification (germline): Uncertain significance. Review status: criteria provided, multiple submitters, no conflicts (2 of 4 stars). 2 submissions from 2 submitters: Uncertain significance (2). Last evaluated 2025-09-24.

Conditions:
Inborn genetic diseases. Identifiers: MedGen C0950123, MeSH D030342.

Allele frequency attached by ClinVar (database versions not stated): gnomAD 0.00001; TOPMed 0.00002; ExAC 0.00008; gnomAD exomes 0.00001.
gnomAD v4.1: 13 of 1,552,302 alleles (0.00084%); highest among the groups gnomAD compares: South Asian, 0.0012%; no homozygotes.

Submissions (2):

Dasa
Classification: Uncertain significance. Last evaluated: 2025-09-24. Review status: criteria provided, single submitter. Criteria: DASA Assertion Criteria. Collection method: clinical testing. Allele origin: germline.
Comment: NM_001145809.2(MYH14):c.4022A>G (p.Gln1341Arg) is a missense variant that results in the substitution of glutamine with arginine. This variant is rare in population databases. The currently available literature and clinical evidence are not sufficient to establish a definitive association between this variant and the reported condition. Therefore, this variant is classified as a variant of uncertain significance.

Ambry Genetics
Classification: Uncertain significance for Inborn genetic diseases. Last evaluated: 2023-08-04. Review status: criteria provided, single submitter. Criteria: Ambry Variant Classification Scheme 2023. Collection method: clinical testing. Allele origin: germline.